The following is an entry in ClinVar:

ClinVar aggregate classification (germline): Likely pathogenic (1 of 4 stars; one submission).

Conditions:
COL11A2-related disorder. Also called: COL11A2-related condition; COL11A2-related disorders.

Submission:

PreventionGenetics, part of Exact Sciences
Classification: Likely pathogenic for COL11A2-related condition. Last evaluated: 2026-03-17. Review status: criteria provided, single submitter. Criteria: ACMG Guidelines, 2015. Collection method: clinical testing. Allele origin: germline.
Comment: The COL11A2 c.4868_4869delCT variant is predicted to result in a frameshift and premature protein termination (p.Ser1623Leufs*38). To our knowledge, this variant has not been reported in the literature or in a large population database (gnomAD), indicating this variant is rare. Frameshift variants in COL11A2 are expected to be pathogenic. This variant is interpreted as likely pathogenic.

NM_080680.3(COL11A2):c.4868_4869del (p.Ser1623fs)

Gene: COL11A2 (collagen type XI alpha 2 chain; minus strand). Cytogenetic location: 6p21.32.
Variant type: Microsatellite.
Coding change: c.4868_4869del on transcript NM_080680.3 (MANE Select); coding-DNA positions 4868 to 4869, 2 bases deleted (CT; older notation c.4868_4869delCT).
Protein change: p.Ser1623fs; shifts the reading frame from serine 1623.
Molecular consequence: frameshift variant.
Genome position (GRCh38, 1-based): chr6:33,164,468-33,164,469, AG deleted on the plus strand (CT on the coding strand, the reverse complement: COL11A2 is on the minus strand); deleting any 2 consecutive bases within chr6:33,164,468-33,164,472 gives the same sequence; the c. name uses the placement nearest the transcript's 3' end. VCF-style (leftmost placement, unchanged base first): chr6-33164467-AAG-A. GRCh37 (hg19) VCF-style: chr6-33132244-AAG-A.
Other names: c.4688_4689del, p.Ser1563fs (NM_001424108.1); c.4022_4023del, p.Ser1341fs (NM_001424109.1); c.3842_3843del, p.Ser1281fs (NM_001424110.1, NM_001424111.1); c.2822_2823del, p.Ser941fs (NM_001424112.1); c.4547_4548del, p.Ser1516fs (NM_080679.3); c.4610_4611del, p.Ser1537fs (NM_080681.3); short protein forms S1341fs, S1516fs, S1563fs, S941fs, S1537fs, S1623fs, S1281fs.
Identifiers: ClinVar variation 4991577 (VCV004991577.1).